The following is an entry in ClinVar:

NM_001040105.2(MUC17):c.12320C>T (p.Thr4107Met)

Gene: MUC17 (mucin 17, cell surface associated; plus strand). Cytogenetic location: 7q22.1.
Variant type: single nucleotide variant.
Coding change: c.12320C>T on transcript NM_001040105.2 (MANE Select); coding-DNA position 12320, C replaced by T.
Protein change: p.Thr4107Met; replaces threonine 4107 with methionine.
Molecular consequence: missense variant. On other transcripts: non-coding transcript variant (1).
Genome position (GRCh38, 1-based): chr7:101,043,736, C>T. VCF-style: chr7-101043736-C-T. GRCh37 (hg19) VCF-style: chr7-100687017-C-T.
Other names: short protein forms T4107M.
Identifiers: ClinVar variation 4872490 (VCV004872490.2).

ClinVar aggregate classification (germline): Likely benign (1 of 4 stars; one submission).

gnomAD v4.1: 2,131 of 1,614,158 alleles (0.13%); highest among the groups gnomAD compares: African/African-American, 0.21%; 6 homozygotes.

Submission:

CeGaT Center for Human Genetics Tuebingen
Classification: Likely benign. Last evaluated: 2026-07-01. Review status: criteria provided, single submitter. Criteria: CeGaT Center For Human Genetics Tuebingen Variant Classification Criteria Version 2. Collection method: clinical testing. Allele origin: germline. Affected: yes. Observed: 1 variant allele.
Comment: MUC17: BP4, BS2